The following is an entry in ClinVar:

NM_177924.5(ASAH1):c.1030A>G (p.Thr344Ala)

Gene: ASAH1 (N-acylsphingosine amidohydrolase 1; minus strand). Cytogenetic location: 8p22.
Variant type: single nucleotide variant.
Coding change: c.1030A>G on transcript NM_177924.5 (MANE Select); coding-DNA position 1030, A replaced by G.
Protein change: p.Thr344Ala; replaces threonine 344 with alanine.
Molecular consequence: missense variant.
Genome position (GRCh38, 1-based): chr8:18,059,352, T>C on the plus strand (A>G on the coding strand, the complement: ASAH1 is on the minus strand). VCF-style: chr8-18059352-T-C. GRCh37 (hg19) VCF-style: chr8-17916861-T-C.
Other names: c.1012A>G, p.Thr338Ala (NM_001127505.3); c.835A>G, p.Thr279Ala (NM_001363743.2); c.1078A>G, p.Thr360Ala (NM_004315.6); short protein forms T344A, T279A, T360A, T338A.
Identifiers: ClinVar variation 1414713 (VCV001414713.8), dbSNP rs751353262, ClinGen allele CA370427262.

ClinVar aggregate classification (germline): Uncertain significance (1 of 4 stars; one submission).

Allele frequency attached by ClinVar (database versions not stated): gnomAD exomes below 0.00001.
gnomAD v4.1: 1 of 1,614,012 alleles (0.000062%); highest among the groups gnomAD compares: East Asian, 0.0022%; no homozygotes.

Submission:

Labcorp Genetics (formerly Invitae), Labcorp
Classification: Uncertain significance. Last evaluated: 2022-02-05. Review status: criteria provided, single submitter. Criteria: Invitae Variant Classification Sherloc (09022015). Collection method: clinical testing. Allele origin: germline.
Comment: In summary, the available evidence is currently insufficient to determine the role of this variant in disease. Therefore, it has been classified as a Variant of Uncertain Significance. Algorithms developed to predict the effect of missense changes on protein structure and function (SIFT, PolyPhen-2, Align-GVGD) all suggest that this variant is likely to be tolerated. This variant has not been reported in the literature in individuals affected with ASAH1-related conditions. This variant is not present in population databases (gnomAD no frequency). This sequence change replaces threonine, which is neutral and polar, with alanine, which is neutral and non-polar, at codon 344 of the ASAH1 protein (p.Thr344Ala).